The following is an entry in ClinVar:

NM_005159.5(ACTC1):c.301G>A (p.Glu101Lys)

Genes: ACTC1 (actin alpha cardiac muscle 1; minus strand), GJD2-DT (GJD2 divergent transcript; plus strand). Cytogenetic location: 15q14.
Variant type: single nucleotide variant.
Coding change: c.301G>A on transcript NM_005159.5 (MANE Select); coding-DNA position 301, G replaced by A.
Protein change: p.Glu101Lys; replaces glutamic acid 101 with lysine.
Molecular consequence: missense variant.
Genome position (GRCh38, 1-based): chr15:34,793,398, C>T on the plus strand (G>A on the coding strand, the complement: ACTC1 is on the minus strand). VCF-style: chr15-34793398-C-T. GRCh37 (hg19) VCF-style: chr15-35085599-C-T.
Other names: p.E101K:GAG>AAG; short protein forms E101K.
Identifiers: ClinVar variation 18331 (VCV000018331.72), dbSNP rs193922680, ClinGen allele CA019743.

ClinVar aggregate classification (germline): Pathogenic. Review status: reviewed by expert panel (3 of 4 stars). 24 submissions from 23 submitters: Pathogenic (1). 23 of the submissions do not count toward it. Last evaluated 2025-11-14.

Conditions:
ACTC1-related disorder. Also called: ACTC1-related condition.
Cardiovascular phenotype. Identifiers: MedGen CN230736.
Atrial septal defect 5 (ASD5). Identifiers: Orphanet 1478, MedGen C2748552, MONDO:0013011, OMIM 612794.
Dilated cardiomyopathy 1R (CMD1R). Identifiers: Orphanet 154, Orphanet 54260, MedGen C3150681, MONDO:0013261, OMIM 613424.
Hypertrophic cardiomyopathy 11. Also called: ACTC1-Related Familial Hypertrophic Cardiomyopathy. Identifiers: MedGen C2677506, MONDO:0012799, OMIM 612098.
Cardiomyopathy (CMYO). Also called: Cardiomyopathies. Identifiers: Orphanet 167848, MedGen C0878544, MONDO:0004994, HP:0001638. Inheritance: Various modes of inheritance.
Left ventricular noncompaction 4 (LVNC4). Identifiers: MedGen C3150682, MONDO:0800350.
Primary familial hypertrophic cardiomyopathy (HCM). Identifiers: Orphanet 99739, MedGen C0949658, MeSH D024741, MONDO:0024573. Inheritance: Various modes of inheritance.
Hypertrophic cardiomyopathy. Also called: HYPERTROPHIC MYOCARDIOPATHY. Identifiers: Orphanet 217569, MedGen C0007194, MeSH D002312, MONDO:0005045, HP:0001639.

Allele frequency attached by ClinVar (database versions not stated): gnomAD 0.00001; gnomAD exomes below 0.00001; TOPMed below 0.00001; ExAC 0.00001.
gnomAD v4.1: 7 of 1,613,988 alleles (0.00043%); highest among the groups gnomAD compares: Admixed American, 0.0017%; no homozygotes.

Submissions 1 to 6 of 24:

ClinGen Cardiomyopathy Variant Curation Expert Panel
Classification: Pathogenic for Hypertrophic cardiomyopathy. Last evaluated: 2025-11-14. Review status: reviewed by expert panel. Criteria: ClinGen CMP ACMG Specifications ACTC1 V1.0.0. Collection method: curation. Allele origin: germline. Inheritance: Autosomal dominant inheritance.
Comment: NM_005159.5(ACTC1): c.301G>A (p.Glu101Lys). This variant has been reported in individuals with HCM and other cardiomyopathies (Olson 2000 PMID: 10966831, Arad 2005 PMID: 16267253, Bookwalter 2006 PMID: 16611632, Monserrat 2007 PMID: 17611253, Monserrat 2007 PMID: 18801786, Klassen 2008 PMID: 18506004, Debold 2010 PMID: 19799913, Walsh 2017 PMID:) and has also been identified in 1 out of 113768 (0.004% FAF 95% CI) of European chromosomes in gnomAD (v.2.1). The variant is statistically increased in individuals with hypertrophic cardiomyopathy (HCM) compared to controls (OR lower 95% CI>10), therefore, the PS4 criterion has been applied at moderate strength (PS4_Moderate) and the PM2_Supporting criterion has been applied (PM2_Supporting). This variant segregated with disease in numerous affected individuals with HCM from multiple families (PP1_Strong; Monserrat 2007 PMID: 16267253, Olson 2000 PMID: 10966831). A mouse knock-in model for this variant indicates that this variant disrupts the function of ACTC1 and leads to a phenotype consistent with HCM (PS3_Moderate; Song 2011 PMID:21622575). Computational prediction tools and conservation analyses suggest that this variant may impact the protein (PP3; REVEL score ≥0.70). In summary, this variant meets criteria to be classified as pathogenic for hypertrophic cardiomyopathy in an autosomal dominant manner. ACTC1-specific ACMG/AMP criteria applied: PP1_Strong, PS4_Moderate, PS3_Moderate, PM2_Supporting, PP3.

PreventionGenetics, part of Exact Sciences
Classification: Pathogenic for ACTC1-related condition. Last evaluated: 2026-05-06. Review status: criteria provided, single submitter. Criteria: ACMG Guidelines, 2015. Collection method: clinical testing. Allele origin: germline. Not counted in ClinVar's aggregate classification.
Comment: The ACTC1 c.301G>A variant is predicted to result in the amino acid substitution p.Glu101Lys. This variant, also known as p.Glu99Lys, has been reported in at least eight individuals with hypertrophic cardiomyopathy or left ventricular noncompaction (Probst et al. 2011. PubMed ID: 21551322; Table S1A/B - Walsh et al. 2017. PubMed ID: 27532257; Table S1 - Li et al. 2019. PubMed ID: 31397097). Functional studies indicate this variant weakens the actomyosin interaction leading to a decrease in the force and motion generating capacity of p.Glu101Lys actin (Bookwalter and Trybus 2006. PubMed ID: 16611632; Debold et al. 2010. PubMed ID: 19799913; Song et al. 2011. PubMed ID: 21622575). This variant is reported in 0.00088% of alleles in individuals of European (Non-Finnish) descent in gnomAD. This variant is interpreted as pathogenic by the ClinGen Cardiomyopathy Variant Curation Expert Panel (Variation ID: 18331). This variant is interpreted as pathogenic.

Molecular Diagnostic Laboratory for Inherited Cardiovascular Disease, Montreal Heart Institute
Classification: Pathogenic for Cardiovascular phenotype. Last evaluated: 2026-03-31. Review status: criteria provided, single submitter. Criteria: ACMG Guidelines, 2015. Collection method: clinical testing. Allele origin: germline. Affected: yes. Not counted in ClinVar's aggregate classification.

Labcorp Genetics (formerly Invitae), Labcorp
Classification: Pathogenic for Dilated cardiomyopathy 1R; Hypertrophic cardiomyopathy 11; Atrial septal defect 5. Last evaluated: 2026-01-06. Review status: criteria provided, single submitter. Criteria: Invitae Variant Classification Sherloc (09022015). Collection method: clinical testing. Allele origin: germline. Not counted in ClinVar's aggregate classification.
Comment: This sequence change replaces glutamic acid, which is acidic and polar, with lysine, which is basic and polar, at codon 101 of the ACTC1 protein (p.Glu101Lys). This variant is present in population databases (rs193922680, gnomAD 0.0009%). This missense change has been observed in individual(s) with hypertrophic cardiomyopathy (HCM), apical HCM or left ventricular noncompaction (PMID: 10966831, 17611253, 18506004). It has also been observed to segregate with disease in related individuals. This variant is also known as p.Glu99Lys, or E99K,. ClinVar contains an entry for this variant (Variation ID: 18331). Invitae Evidence Modeling of protein sequence and biophysical properties (such as structural, functional, and spatial information, amino acid conservation, physicochemical variation, residue mobility, and thermodynamic stability) indicates that this missense variant is not expected to disrupt ACTC1 protein function with a negative predictive value of 80%. Experimental studies have shown that this missense change affects ACTC1 function (PMID: 16611632, 19799913, 21622575). For these reasons, this variant has been classified as Pathogenic.

Victorian Clinical Genetics Services, Murdoch Childrens Research Institute
Classification: Pathogenic for Dilated cardiomyopathy 1R. Last evaluated: 2025-07-23. Review status: criteria provided, single submitter. Criteria: ACMG Guidelines, 2015. Collection method: clinical testing. Allele origin: germline. Affected: yes. Not counted in ClinVar's aggregate classification.
Comment: This variant is classified as Pathogenic. Evidence in support of pathogenic classification: Variant is present in gnomAD <0.001 for a dominant condition (v4: 7 heterozygote(s), 0 homozygote(s)); This variant has strong previous evidence of pathogenicity in unrelated individuals. This variant has been classified as pathogenic and likely pathogenic by clinical laboratories in ClinVar and has been reported in individuals with hypertrophic cardiomyopathy and left ventricular non-compaction (VCGS internal data). In addition, it has also been reported in the literature in association with a multisystemic syndrome with a predominant cardiac phenotype that can overlap with Noonan syndrome (PMID: 40421724); Missense variant predicted to be damaging by in silico tool(s) or highly conserved with a major amino acid change. Additional information: Variant is predicted to result in a missense amino acid change from glutamic acid to lysine; This variant is heterozygous; This gene is associated with autosomal dominant disease; Alternative amino acid change(s) at the same position are present in gnomAD (Highest allele count: v4: 1 heterozygote(s), 0 homozygote(s)); Variant is located in the annotated actin domain (DECIPHER); The mechanism of disease for this gene is not clearly established. Missense variants have been described with both loss and gain of function properties (PMID: 29719515). However, the exact mechanism remains unclear.

Dasa
Classification: Pathogenic. Last evaluated: 2025-06-14. Review status: criteria provided, single submitter. Criteria: DASA Assertion Criteria. Collection method: clinical testing. Allele origin: germline. Not counted in ClinVar's aggregate classification.
Comment: NM_005159.5(ACTC1):c.301G>A (p.Glu101Lys) is a missense variant that results in the substitution of glutamic acid with lysine. Segregation evidence has been reported in affected families. Functional evidence supports a deleterious effect on the gene or gene product (PMID: 24736382; PMID: 21622575; PMID: 21551322; PMID: 21524215; PMID: 21297463). This variant has been recurrently observed in individuals with related phenotype (PMID: 24736382; PMID: 21622575; PMID: 21551322; PMID: 21524215; PMID: 21297463). Multiple computational predictions support a deleterious effect on the gene or gene product. The variant is present at low frequency in population datasets. Based on the available data, this variant is classified as pathogenic.